The following is an entry in ClinVar:

NM_152416.4(NDUFAF6):c.896A>C (p.Lys299Thr)

Gene: NDUFAF6 (NADH:ubiquinone oxidoreductase complex assembly factor 6; plus strand). Cytogenetic location: 8q22.1.
Variant type: single nucleotide variant.
Coding change: c.896A>C on transcript NM_152416.4 (MANE Select); coding-DNA position 896, A replaced by C.
Protein change: p.Lys299Thr; replaces lysine 299 with threonine.
Molecular consequence: missense variant. On other transcripts: non-coding transcript variant (3), intron variant (1).
Genome position (GRCh38, 1-based): chr8:95,057,831, A>C. VCF-style: chr8-95057831-A-C. GRCh37 (hg19) VCF-style: chr8-96070059-A-C.
Other names: p.K299T:AAG>ACG; c.620A>C, p.Lys207Thr (NM_001330582.2, NM_001354514.2, NM_001354515.2); c.740A>C, p.Lys247Thr (NM_001354516.2); c.563A>C, p.Lys188Thr (NM_001354517.2, NM_001354518.2, NM_001354519.2 and 1 more transcripts); c.440A>C, p.Lys147Thr (NM_001354522.2, NM_001354524.2, NM_001354525.2 and 7 more transcripts); c.483+9273A>C (NM_001354534.2); short protein forms K299T, K247T, K188T, K207T, K147T.
Identifiers: ClinVar variation 214208 (VCV000214208.1), dbSNP rs200986634, ClinGen allele CA323062.

ClinVar aggregate classification (germline): Likely benign (1 of 4 stars; one submission).

Allele frequency attached by ClinVar (database versions not stated): ExAC 0.00003; TOPMed 0.00003; gnomAD exomes 0.00004; 1000 Genomes Project 30x 0.00016; ESP Exome Variant Server 0.00017; 1000 Genomes Project 0.00020.
gnomAD v4.1: 173 of 1,612,734 alleles (0.011%); highest among the groups gnomAD compares: Non-Finnish European, 0.014%; 1 homozygote.

Submission:

GeneDx
Classification: Likely benign. Last evaluated: 2014-07-14. Review status: criteria provided, single submitter. Criteria: GeneDx Variant Classification (06012015). Collection method: clinical testing. Allele origin: germline. Affected: yes.
Comment: This variant is considered likely benign or benign based on one or more of the following criteria: it is a conservative change, it occurs at a poorly conserved position in the protein, it is predicted to be benign by multiple in silico algorithms, and/or has population frequency not consistent with disease.